The following is an entry in ClinVar:

NM_172362.3(KCNH1):c.1843G>A (p.Val615Ile)

Gene: KCNH1 (potassium voltage-gated channel subfamily H member 1; minus strand). Cytogenetic location: 1q32.2.
Variant type: single nucleotide variant.
Coding change: c.1843G>A on transcript NM_172362.3 (MANE Select); coding-DNA position 1843, G replaced by A.
Protein change: p.Val615Ile; replaces valine 615 with isoleucine.
Molecular consequence: missense variant.
Genome position (GRCh38, 1-based): chr1:210,797,580, C>T on the plus strand (G>A on the coding strand, the complement: KCNH1 is on the minus strand). VCF-style: chr1-210797580-C-T. GRCh37 (hg19) VCF-style: chr1-210970922-C-T.
Other names: c.1762G>A, p.Val588Ile (NM_002238.4); short protein forms V588I, V615I.
Identifiers: ClinVar variation 2193561 (VCV002193561.4), dbSNP rs774949643, ClinGen allele CA1379818.

ClinVar aggregate classification (germline): Uncertain significance (1 of 4 stars; one submission).

Allele frequency attached by ClinVar (database versions not stated): TOPMed 0.00001; ExAC 0.00002; gnomAD exomes 0.00002.
gnomAD v4.1: 39 of 1,614,198 alleles (0.0024%); highest among the groups gnomAD compares: Non-Finnish European, 0.0028%; no homozygotes.

Submission:

Labcorp Genetics (formerly Invitae), Labcorp
Classification: Uncertain significance. Last evaluated: 2025-11-25. Review status: criteria provided, single submitter. Criteria: Invitae Variant Classification Sherloc (09022015). Collection method: clinical testing. Allele origin: germline.
Comment: This sequence change replaces valine, which is neutral and non-polar, with isoleucine, which is neutral and non-polar, at codon 615 of the KCNH1 protein (p.Val615Ile). This variant is present in population databases (rs774949643, gnomAD 0.003%). This variant has not been reported in the literature in individuals affected with KCNH1-related conditions. ClinVar contains an entry for this variant (Variation ID: 2193561). Invitae Evidence Modeling of protein sequence and biophysical properties (such as structural, functional, and spatial information, amino acid conservation, physicochemical variation, residue mobility, and thermodynamic stability) has been performed for this missense variant. However, the output from this modeling did not meet the statistical confidence thresholds required to predict the impact of this variant on KCNH1 protein function. In summary, the available evidence is currently insufficient to determine the role of this variant in disease. Therefore, it has been classified as a Variant of Uncertain Significance.